The following is an entry in ClinVar:

ClinVar aggregate classification (germline): Uncertain significance. Review status: criteria provided, multiple submitters, no conflicts (2 of 4 stars). 4 submissions from 4 submitters: Uncertain significance (4). Last evaluated 2026-02-05.

Conditions:
MYH7-related disorder. Also called: MYH7-related disorders; MYH7-related condition; MYH7-related disease.
Cardiomyopathy (CMYO). Also called: Cardiomyopathies. Identifiers: Orphanet 167848, MedGen C0878544, MONDO:0004994, HP:0001638. Inheritance: Various modes of inheritance.
Hypertrophic cardiomyopathy. Also called: HYPERTROPHIC MYOCARDIOPATHY. Identifiers: Orphanet 217569, MedGen C0007194, MeSH D002312, MONDO:0005045, HP:0001639.

Submissions (4):

PreventionGenetics, part of Exact Sciences
Classification: Uncertain significance for MYH7-related condition. Last evaluated: 2026-02-05. Review status: criteria provided, single submitter. Criteria: ACMG Guidelines, 2015. Collection method: clinical testing. Allele origin: germline.
Comment: The MYH7 c.118C>T variant is predicted to result in the amino acid substitution p.Pro40Ser. This variant has been reported in an individual with dilated cardiomyopahty (Table S1, Voinescu et al. 2024. PubMed ID: 38473809). This variant has not been reported in a large population database (gnomAD), indicating this variant is rare. At this time, the clinical significance of this variant is uncertain due to the absence of conclusive functional and genetic evidence.

Labcorp Genetics (formerly Invitae), Labcorp
Classification: Uncertain significance for Hypertrophic cardiomyopathy. Last evaluated: 2024-10-30. Review status: criteria provided, single submitter. Criteria: Invitae Variant Classification Sherloc (09022015). Collection method: clinical testing. Allele origin: germline.
Comment: This sequence change replaces proline, which is neutral and non-polar, with serine, which is neutral and polar, at codon 40 of the MYH7 protein (p.Pro40Ser). This variant is not present in population databases (gnomAD no frequency). This variant has not been reported in the literature in individuals affected with MYH7-related conditions. ClinVar contains an entry for this variant (Variation ID: 1466368). Invitae Evidence Modeling of protein sequence and biophysical properties (such as structural, functional, and spatial information, amino acid conservation, physicochemical variation, residue mobility, and thermodynamic stability) indicates that this missense variant is expected to disrupt MYH7 protein function with a positive predictive value of 95%. In summary, the available evidence is currently insufficient to determine the role of this variant in disease. Therefore, it has been classified as a Variant of Uncertain Significance.

All of Us Research Program, National Institutes of Health
Classification: Uncertain significance for Cardiomyopathy. Last evaluated: 2024-05-14. Review status: criteria provided, single submitter. Criteria: ACMG Guidelines, 2015. Collection method: clinical testing. Allele origin: germline. Inheritance: Autosomal dominant inheritance. Observed: 1 variant allele, 1 heterozygote.
Comment: This missense variant replaces proline with serine at codon 40 of the MYH7 protein. Computational prediction tools indicate that this variant's impact on protein structure and function is inconclusive. To our knowledge, functional studies have not been reported for this variant. This variant has been reported in one individual affected with dilated cardiomyopathy (PMID: 38473809). This variant has not been identified in the general population by the Genome Aggregation Database (gnomAD). The available evidence is insufficient to determine the role of this variant in disease conclusively. Therefore, this variant is classified as a Variant of Uncertain Significance.

This study involves interpretation of variants in research participants for the purpose of population health screening. Participant phenotype was not available at the time of variant classification. Additional details can be found in publication PMID: 35346344, PMCID: PMC8962531

GeneDx
Classification: Uncertain significance. Last evaluated: 2023-02-16. Review status: criteria provided, single submitter. Criteria: GeneDx Variant Classification Process June 2021. Collection method: clinical testing. Allele origin: germline. Affected: yes.
Comment: Not observed at significant frequency in large population cohorts (gnomAD); In silico analysis supports that this missense variant has a deleterious effect on protein structure/function; Has not been previously published as pathogenic or benign to our knowledge; In silico analysis suggests this variant may impact gene splicing. In the absence of RNA/functional studies, the actual effect of this sequence change is unknown.

Literature cited by the submitters: PubMed 38473809 (cited by All of Us Research Program, National Institutes of Health).

NM_000257.4(MYH7):c.118C>T (p.Pro40Ser)

Gene: MYH7 (myosin heavy chain 7; minus strand). Cytogenetic location: 14q11.2.
Variant type: single nucleotide variant.
Coding change: c.118C>T on transcript NM_000257.4 (MANE Select); coding-DNA position 118, C replaced by T.
Protein change: p.Pro40Ser; replaces proline 40 with serine.
Molecular consequence: missense variant.
Genome position (GRCh38, 1-based): chr14:23,433,615, G>A on the plus strand (C>T on the coding strand, the complement: MYH7 is on the minus strand). VCF-style: chr14-23433615-G-A. GRCh37 (hg19) VCF-style: chr14-23902824-G-A.
Other names: c.118C>T (NM_000257.2, NM_000257.3); short protein forms P40S.
Identifiers: ClinVar variation 1466368 (VCV001466368.8), dbSNP rs1893037347, ClinGen allele CA389053848.